The following is an entry in ClinVar:

ClinVar aggregate classification (germline): Uncertain significance. Review status: criteria provided, multiple submitters, no conflicts (2 of 4 stars). 5 submissions from 5 submitters: Uncertain significance (4). 1 of the submissions does not count toward it. Last evaluated 2025-10-14.

Conditions:
ATM-related cancer predisposition. Also called: ATM-related cancer susceptibility. Identifiers: MedGen CN377759, MONDO:0700270.
Hereditary cancer-predisposing syndrome. Also called: Neoplastic Syndromes, Hereditary; Hereditary Cancer Syndrome; Tumor predisposition; Hereditary neoplastic syndrome. Identifiers: Orphanet 140162, MedGen C0027672, MeSH D009386, MONDO:0015356.
Ataxia-telangiectasia syndrome (AT). Also called: LOUIS-BAR SYNDROME; Cerebello-oculocutaneous telangiectasia; Immunodeficiency with ataxia telangiectasia; Ataxia-telangiectasia, complementation group D; AT, COMPLEMENTATION GROUP C; Ataxia-telangiectasia, complementation group E. Identifiers: Orphanet 100, MedGen C0004135, MONDO:0008840, OMIM 208900.

Submissions (5):

Labcorp Genetics (formerly Invitae), Labcorp
Classification: Uncertain significance for Ataxia-telangiectasia syndrome. Last evaluated: 2025-10-14. Review status: criteria provided, single submitter. Criteria: Invitae Variant Classification Sherloc (09022015). Collection method: clinical testing. Allele origin: germline.
Comment: This sequence change replaces aspartic acid, which is acidic and polar, with glutamic acid, which is acidic and polar, at codon 2507 of the ATM protein (p.Asp2507Glu). This variant is not present in population databases (gnomAD no frequency). This variant has not been reported in the literature in individuals affected with ATM-related conditions. ClinVar contains an entry for this variant (Variation ID: 482616). Invitae Evidence Modeling of protein sequence and biophysical properties (such as structural, functional, and spatial information, amino acid conservation, physicochemical variation, residue mobility, and thermodynamic stability) indicates that this missense variant is not expected to disrupt ATM protein function with a negative predictive value of 95%. In summary, the available evidence is currently insufficient to determine the role of this variant in disease. Therefore, it has been classified as a Variant of Uncertain Significance.

Hema, HEMA – Genetic and Molecular Diagnostic Laboratory
Classification: Uncertain significance for ATM-related cancer predisposition. Last evaluated: 2025-09-02. Review status: criteria provided, single submitter. Criteria: HEMA Variant Classification Assertion Criteria. Collection method: clinical testing. Allele origin: germline.
Comment: It is a transversion from cytosine to adenine, resulting in the substitution of aspartic acid 2507 by glutamic acid in the ATM protein. PM2_Supporting: Absent in the gnomAD v4.1.0 database. BP4: The computational meta-predictor REVEL score = 0.11 ≤ 0.249, indicating that the variant is not likely to have an effect on the ATM protein.

Ambry Genetics
Classification: Uncertain significance for Hereditary cancer-predisposing syndrome. Last evaluated: 2023-06-08. Review status: criteria provided, single submitter. Criteria: Ambry Variant Classification Scheme 2023. Collection method: clinical testing. Allele origin: germline.
Comment: The p.D2507E variant (also known as c.7521C>A), located in coding exon 50 of the ATM gene, results from a C to A substitution at nucleotide position 7521. The aspartic acid at codon 2507 is replaced by glutamic acid, an amino acid with highly similar properties. This amino acid position is poorly conserved in available vertebrate species. In addition, this alteration is predicted to be tolerated by in silico analysis. Since supporting evidence is limited at this time, the clinical significance of this alteration remains unclear.

Color Diagnostics, LLC DBA Color Health
Classification: Uncertain significance for Hereditary cancer-predisposing syndrome. Last evaluated: 2022-03-10. Review status: criteria provided, single submitter. Criteria: ACMG Guidelines, 2015. Collection method: clinical testing. Allele origin: germline.
Comment: This missense variant replaces aspartic acid with glutamic acid at codon 2507 of the ATM protein. Computational prediction suggests that this variant may not impact protein structure and function (internally defined REVEL score threshold <= 0.5, PMID: 27666373). To our knowledge, functional studies have not been reported for this variant. This variant has not been reported in individuals affected with hereditary cancer in the literature. This variant has not been identified in the general population by the Genome Aggregation Database (gnomAD). The available evidence is insufficient to determine the role of this variant in disease conclusively. Therefore, this variant is classified as a Variant of Uncertain Significance.

Natera, Inc.
Classification: Uncertain significance for Ataxia-telangiectasia. Last evaluated: 2020-09-16. Review status: no assertion criteria provided. Collection method: clinical testing. Allele origin: germline. Not counted in ClinVar's aggregate classification.

NM_000051.4(ATM):c.7521C>A (p.Asp2507Glu)

Genes: C11orf65 (chromosome 11 open reading frame 65; minus strand), ATM (ATM serine/threonine kinase; plus strand). Cytogenetic location: 11q22.3.
Variant type: single nucleotide variant.
Coding change: c.7521C>A on transcript NM_000051.4 (MANE Select); coding-DNA position 7521, C replaced by A.
Protein change: p.Asp2507Glu; replaces aspartic acid 2507 with glutamic acid.
Molecular consequence: missense variant. On other transcripts: non-coding transcript variant (1), intron variant (2).
Genome position (GRCh38, 1-based): chr11:108,331,449, C>A. VCF-style: chr11-108331449-C-A. GRCh37 (hg19) VCF-style: chr11-108202176-C-A.
Other names: c.7521C>A, p.Asp2507Glu (NM_001351834.2); c.641-22378G>T (NM_001330368.2); c.*38+3771G>T (NM_001351110.2); short protein forms D2507E.
Identifiers: ClinVar variation 482616 (VCV000482616.21), dbSNP rs751234924, ClinGen allele CA382560643.
Genomic context (GRCh38, chr11:108,331,449, plus strand): 5'-TGAGAATATTTGAAATACCTTGTTTCTTAATTTTGTGTCTTTTTTTTAATGGTAGAGAGA[C>A]GGAATGAAGATTCCAACATATAAATTTTTGCCTCTTATGTACCAATTGGCTGCTAGAATG-3'
Protein context (NP_000042.3, residues 2497-2517): VSEVNGMMKR[Asp2507Glu]GMKIPTYKFL